The following is an entry in ClinVar:

ClinVar aggregate classification (germline): Uncertain significance. Review status: criteria provided, multiple submitters, no conflicts (2 of 4 stars). 3 submissions from 3 submitters: Uncertain significance (2). 1 of the submissions does not count toward it. Last evaluated 2025-04-02.

Conditions:
GNPTG-mucolipidosis. Also called: MUCOLIPIDOSIS III, COMPLEMENTATION GROUP C; MUCOLIPIDOSIS III, IRANIAN VARIANT FORM; MUCOLIPIDOSIS III, VARIANT FORM; Mucolipidosis type III gamma; ML III GAMMA; ML IIIC. Identifiers: Orphanet 423470, Orphanet 577, MedGen C1854896, MONDO:0009652, OMIM 252605.
Inborn genetic diseases. Identifiers: MedGen C0950123, MeSH D030342.

Allele frequency attached by ClinVar (database versions not stated): gnomAD exomes 0.00001 and 0.00005; gnomAD 0.00009; ExAC 0.00011; TOPMed 0.00014; ESP Exome Variant Server 0.00017; 1000 Genomes Project 30x 0.00047.
gnomAD v4.1: 23 of 1,548,604 alleles (0.0015%); highest among the groups gnomAD compares: African/African-American, 0.027%; no homozygotes.

Submissions (3):

Ambry Genetics
Classification: Uncertain significance for Inborn genetic diseases. Last evaluated: 2025-04-02. Review status: criteria provided, single submitter. Criteria: Ambry Variant Classification Scheme 2023. Collection method: clinical testing. Allele origin: germline.

Labcorp Genetics (formerly Invitae), Labcorp
Classification: Uncertain significance. Last evaluated: 2024-10-26. Review status: criteria provided, single submitter. Criteria: Invitae Variant Classification Sherloc (09022015). Collection method: clinical testing. Allele origin: germline.
Comment: This sequence change replaces valine, which is neutral and non-polar, with alanine, which is neutral and non-polar, at codon 38 of the GNPTG protein (p.Val38Ala). This variant is present in population databases (rs372379104, gnomAD 0.03%). This variant has not been reported in the literature in individuals affected with GNPTG-related conditions. ClinVar contains an entry for this variant (Variation ID: 861906). An algorithm developed to predict the effect of missense changes on protein structure and function (PolyPhen-2) suggests that this variant¬†is likely to be tolerated. In summary, the available evidence is currently insufficient to determine the role of this variant in disease. Therefore, it has been classified as a Variant of Uncertain Significance.

Natera, Inc.
Classification: Uncertain significance for Mucolipidosis III gamma. Last evaluated: 2020-09-24. Review status: no assertion criteria provided. Collection method: clinical testing. Allele origin: germline. Not counted in ClinVar's aggregate classification.

NM_032520.5(GNPTG):c.113T>C (p.Val38Ala)

Gene: GNPTG (N-acetylglucosamine-1-phosphate transferase subunit gamma; plus strand). Cytogenetic location: 16p13.3.
Variant type: single nucleotide variant.
Coding change: c.113T>C on transcript NM_032520.5 (MANE Select); coding-DNA position 113, T replaced by C.
Protein change: p.Val38Ala; replaces valine 38 with alanine.
Molecular consequence: missense variant.
Genome position (GRCh38, 1-based): chr16:1,352,241, T>C. VCF-style: chr16-1352241-T-C. GRCh37 (hg19) VCF-style: chr16-1402242-T-C.
Other names: short protein forms V38A.
Identifiers: ClinVar variation 861906 (VCV000861906.6), dbSNP rs372379104, ClinGen allele CA7807485.